The following is an entry in ClinVar:

NM_138459.5(NUS1):c.166C>T (p.Leu56Phe)

Gene: NUS1 (NUS1 dehydrodolichyl diphosphate synthase subunit; plus strand). Cytogenetic location: 6q22.1.
Variant type: single nucleotide variant.
Coding change: c.166C>T on transcript NM_138459.5 (MANE Select); coding-DNA position 166, C replaced by T.
Protein change: p.Leu56Phe; replaces leucine 56 with phenylalanine.
Molecular consequence: missense variant.
Genome position (GRCh38, 1-based): chr6:117,675,836, C>T. VCF-style: chr6-117675836-C-T. GRCh37 (hg19) VCF-style: chr6-117996999-C-T.
Other names: c.166C>T (NM_138459.3); short protein forms L56F.
Identifiers: ClinVar variation 1363268 (VCV001363268.9), dbSNP rs896791770, ClinGen allele CA146431383.

ClinVar aggregate classification (germline): Uncertain significance. Review status: criteria provided, multiple submitters, no conflicts (2 of 4 stars). 2 submissions from 2 submitters: Uncertain significance (2). Last evaluated 2024-01-11.

Conditions:
Inborn genetic diseases. Identifiers: MedGen C0950123, MeSH D030342.
Congenital disorder of glycosylation, type Iaa. Also called: Congenital disorder of glycosylation, type 1aa. Identifiers: MedGen C4310727, MONDO:0014904, OMIM 617082.

Allele frequency attached by ClinVar (database versions not stated): gnomAD 0.00005; gnomAD exomes 0.00001; TOPMed 0.00003.
gnomAD v4.1: 11 of 1,543,556 alleles (0.00071%); highest among the groups gnomAD compares: African/African-American, 0.012%; no homozygotes.

Submissions (2):

Labcorp Genetics (formerly Invitae), Labcorp
Classification: Uncertain significance for Congenital disorder of glycosylation, type Iaa. Last evaluated: 2024-01-11. Review status: criteria provided, single submitter. Criteria: Invitae Variant Classification Sherloc (09022015). Collection method: clinical testing. Allele origin: germline.
Comment: This sequence change replaces leucine, which is neutral and non-polar, with phenylalanine, which is neutral and non-polar, at codon 56 of the NUS1 protein (p.Leu56Phe). This variant is present in population databases (no rsID available, gnomAD 0.02%). This variant has not been reported in the literature in individuals affected with NUS1-related conditions. ClinVar contains an entry for this variant (Variation ID: 1363268). An algorithm developed to predict the effect of missense changes on protein structure and function (PolyPhen-2) suggests that this variant is likely to be tolerated. In summary, the available evidence is currently insufficient to determine the role of this variant in disease. Therefore, it has been classified as a Variant of Uncertain Significance.

Ambry Genetics
Classification: Uncertain significance for Inborn genetic diseases. Last evaluated: 2022-06-27. Review status: criteria provided, single submitter. Criteria: Ambry Variant Classification Scheme 2023. Collection method: clinical testing. Allele origin: germline.